The following is an entry in ClinVar:

ClinVar aggregate classification (germline): Uncertain significance (1 of 4 stars; one submission).

Allele frequency attached by ClinVar (database versions not stated): gnomAD exomes below 0.00001; TOPMed 0.00001.
gnomAD v4.1: 2 of 1,613,832 alleles (0.00012%); highest among the groups gnomAD compares: East Asian, 0.0022%; no homozygotes.

Submission:

Labcorp Genetics (formerly Invitae), Labcorp
Classification: Uncertain significance. Last evaluated: 2021-03-26. Review status: criteria provided, single submitter. Criteria: Invitae Variant Classification Sherloc (09022015). Collection method: clinical testing. Allele origin: germline.
Comment: This sequence change replaces lysine with asparagine at codon 333 of the MTHFD1 protein (p.Lys333Asn). The lysine residue is weakly conserved and there is a moderate physicochemical difference between lysine and asparagine. This variant is not present in population databases (ExAC no frequency). This variant has not been reported in the literature in individuals with MTHFD1-related conditions. Algorithms developed to predict the effect of missense changes on protein structure and function output the following: SIFT: "Tolerated"; PolyPhen-2: "Benign"; Align-GVGD: "Class C0". The asparagine amino acid residue is found in multiple mammalian species, suggesting that this missense change does not adversely affect protein function. These predictions have not been confirmed by published functional studies and their clinical significance is uncertain. In summary, the available evidence is currently insufficient to determine the role of this variant in disease. Therefore, it has been classified as a Variant of Uncertain Significance.

NM_005956.4(MTHFD1):c.999G>C (p.Lys333Asn)

Gene: MTHFD1 (methylenetetrahydrofolate dehydrogenase, cyclohydrolase and formyltetrahydrofolate synthetase 1; plus strand). Cytogenetic location: 14q23.3.
Variant type: single nucleotide variant.
Coding change: c.999G>C on transcript NM_005956.4 (MANE Select); coding-DNA position 999, G replaced by C.
Protein change: p.Lys333Asn; replaces lysine 333 with asparagine.
Molecular consequence: missense variant.
Genome position (GRCh38, 1-based): chr14:64,426,064, G>C. VCF-style: chr14-64426064-G-C. GRCh37 (hg19) VCF-style: chr14-64892782-G-C.
Other names: c.999G>C, p.Lys333Asn (NM_001364837.1); short protein forms K333N.
Identifiers: ClinVar variation 1416974 (VCV001416974.8), dbSNP rs2078116141, ClinGen allele CA389986272.